The following is an entry in ClinVar:

ClinVar aggregate classification (germline): Uncertain significance (1 of 4 stars; one submission).

Conditions:
Neuromuscular disease caused by qualitative or quantitative defects of dysferlin. Also called: Dysferlinopathy; Qualitative or quantitative defects of dysferlin. Identifiers: Orphanet 207073, MedGen C2931687, MONDO:0016145.

Submission:

Labcorp Genetics (formerly Invitae), Labcorp
Classification: Uncertain significance for Neuromuscular disease caused by qualitative or quantitative defects of dysferlin. Last evaluated: 2022-08-21. Review status: criteria provided, single submitter. Criteria: Invitae Variant Classification Sherloc (09022015). Collection method: clinical testing. Allele origin: germline.
Comment: This sequence change replaces glycine, which is neutral and non-polar, with arginine, which is basic and polar, at codon 76 of the DYSF protein (p.Gly76Arg). This variant is not present in population databases (gnomAD no frequency). This variant has not been reported in the literature in individuals affected with DYSF-related conditions. Advanced modeling of protein sequence and biophysical properties (such as structural, functional, and spatial information, amino acid conservation, physicochemical variation, residue mobility, and thermodynamic stability) performed at Invitae indicates that this missense variant is not expected to disrupt DYSF protein function. In summary, the available evidence is currently insufficient to determine the role of this variant in disease. Therefore, it has been classified as a Variant of Uncertain Significance.

NM_001130987.2(DYSF):c.229G>A (p.Gly77Arg)

Gene: DYSF (dysferlin; plus strand). Cytogenetic location: 2p13.2.
Variant type: single nucleotide variant.
Coding change: c.229G>A on transcript NM_001130987.2 (MANE Select); coding-DNA position 229, G replaced by A.
Protein change: p.Gly77Arg; replaces glycine 77 with arginine.
Molecular consequence: missense variant.
Genome position (GRCh38, 1-based): chr2:71,481,960, G>A. VCF-style: chr2-71481960-G-A. GRCh37 (hg19) VCF-style: chr2-71709090-G-A.
Other names: c.229G>A, p.Gly77Arg (NM_001130455.2, NM_001130982.2, NM_001130983.2 and 3 more transcripts); c.226G>A, p.Gly76Arg (NM_001130976.2, NM_001130977.2, NM_001130978.2 and 4 more transcripts); short protein forms G76R, G77R.
Identifiers: ClinVar variation 2172384 (VCV002172384.1), dbSNP rs2467184889, ClinGen allele CA347216556.
Genomic context (GRCh38, chr2:71,481,960, plus strand): 5'-GGCATCCCCCTGGACCAGGGCTCTGAGCTTCATGTGGTGGTCAAAGACCATGAGACGATG[G>A]GGAGGAACAGGTAAGGTGGCCAGAGGGGGGTGCTCCATGGCTTGAAGGTGCAGGTAGGAT-3'
Protein context (NP_001124459.1, residues 67-87): HVVVKDHETM[Gly77Arg]RNRFLGEAKV